The following is an entry in ClinVar:

ClinVar aggregate classification (germline): Benign/Likely benign. Review status: criteria provided, multiple submitters, no conflicts (2 of 4 stars). 6 submissions from 6 submitters: Benign (3); Likely benign (1). 2 of the submissions do not count toward it. Last evaluated 2026-01-28.

Conditions:
COL7A1-related disorder. Also called: COL7A1- related disorders; COL7A1-related condition.
Epidermolysis bullosa dystrophica. Also called: Dystrophic epidermolysis bullosa, Hallopeau-Siemens type (formerly); Dystrophic epidermolysis bullosa. Identifiers: Orphanet 303, MedGen C0079294, MONDO:0006543.

Allele frequency attached by ClinVar (database versions not stated): gnomAD exomes 0.00059 and 0.00163; ExAC 0.00197; 1000 Genomes Project 30x 0.00484; 1000 Genomes Project 0.00579; gnomAD 0.00591 and 0.00636; TOPMed 0.00657; ESP Exome Variant Server 0.00707.

Submissions (6):

Labcorp Genetics (formerly Invitae), Labcorp
Classification: Benign. Last evaluated: 2026-01-28. Review status: criteria provided, single submitter. Criteria: Invitae Variant Classification Sherloc (09022015). Collection method: clinical testing. Allele origin: germline.

Blueprint Genetics
Classification: Likely benign. Last evaluated: 2024-11-26. Review status: criteria provided, single submitter. Criteria: ACMG Guidelines, 2015. Collection method: clinical testing. Allele origin: germline.

GeneDx
Classification: Benign. Last evaluated: 2021-04-26. Review status: criteria provided, single submitter. Criteria: GeneDx Variant Classification Process June 2021. Collection method: clinical testing. Allele origin: germline. Affected: yes.

Illumina Laboratory Services, Illumina
Classification: Benign for Dystrophic epidermolysis bullosa. Last evaluated: 2018-01-13. Review status: criteria provided, single submitter. Criteria: ICSL Variant Classification Criteria 13 December 2019. Collection method: clinical testing. Allele origin: germline.
Comment: This variant was observed in the ICSL laboratory as part of a predisposition screen in an ostensibly healthy population. It had not been previously curated by ICSL or reported in the Human Gene Mutation Database (HGMD: prior to June 1st, 2018), and was therefore a candidate for classification through an automated scoring system. Utilizing variant allele frequency, disease prevalence and penetrance estimates, and inheritance mode, an automated score was calculated to assess if this variant is too frequent to cause the disease. Based on the score and internal cut-off values, a variant classified as benign is not then subjected to further curation. The score for this variant resulted in a classification of benign for this disease.

Natera, Inc.
Classification: Benign for Dystrophic epidermolysis bullosa. Last evaluated: 2020-06-04. Review status: no assertion criteria provided. Collection method: clinical testing. Allele origin: germline. Not counted in ClinVar's aggregate classification.

PreventionGenetics, part of Exact Sciences
Classification: Benign for COL7A1-related condition. Last evaluated: 2019-04-24. Review status: no assertion criteria provided. Collection method: clinical testing. Allele origin: germline. Not counted in ClinVar's aggregate classification.
Comment: This variant is classified as benign based on ACMG/AMP sequence variant interpretation guidelines (Richards et al. 2015 PMID: 25741868, with internal and published modifications).

NM_000094.4(COL7A1):c.5590G>A (p.Ala1864Thr)

Gene: COL7A1 (collagen type VII alpha 1 chain; minus strand). Cytogenetic location: 3p21.31.
Variant type: single nucleotide variant.
Coding change: c.5590G>A on transcript NM_000094.4 (MANE Select); coding-DNA position 5590, G replaced by A.
Protein change: p.Ala1864Thr; replaces alanine 1864 with threonine.
Molecular consequence: missense variant.
Genome position (GRCh38, 1-based): chr3:48,576,898, C>T on the plus strand (G>A on the coding strand, the complement: COL7A1 is on the minus strand). VCF-style: chr3-48576898-C-T. GRCh37 (hg19) VCF-style: chr3-48614331-C-T.
Other names: short protein forms A1864T.
Identifiers: ClinVar variation 345834 (VCV000345834.20), dbSNP rs17080261, ClinGen allele CA2379424.